The following is an entry in ClinVar:

ClinVar aggregate classification (germline): Pathogenic/Likely pathogenic. Review status: criteria provided, multiple submitters, no conflicts (2 of 4 stars). 13 submissions from 11 submitters: Pathogenic (8); Likely pathogenic (5). Last evaluated 2026-01-09.

Conditions:
CRB1-related disorder. Also called: CRB1-related condition; CRB1-related disorders.
Macular dystrophy. Identifiers: MedGen C0730292, HP:0007754.
Leber congenital amaurosis 8 (LCA8). Identifiers: Orphanet 65, MedGen C3151202, MONDO:0013453, OMIM 613835.
Retinitis pigmentosa 12 (RP12). Also called: RP WITH OR WITHOUT PPRPE; RP WITH OR WITHOUT PRESERVED PARAARTERIOLE RETINAL PIGMENT EPITHELIUM; RETINITIS PIGMENTOSA WITH OR WITHOUT PARAARTERIOLAR PRESERVATION OF RETINAL PIGMENT EPITHELIUM. Identifiers: Orphanet 791, MedGen C1838647, MONDO:0010818, OMIM 600105.
Pigmented paravenous retinochoroidal atrophy. Identifiers: Orphanet 251295, MedGen C1868310, MONDO:0008246, OMIM 172870.
Leber congenital amaurosis (LCA). Also called: Leber's amaurosis. Identifiers: Orphanet 65, MedGen C0339527, MeSH D057130, MONDO:0018998.

Allele frequency attached by ClinVar (database versions not stated): gnomAD exomes 0.00001 and 0.00005; ExAC 0.00002; gnomAD 0.00005 and 0.00006; TOPMed 0.00005.
gnomAD v4.1: 76 of 1,614,092 alleles (0.0047%); highest among the groups gnomAD compares: Non-Finnish European, 0.0061%; no homozygotes.

Submissions (13):

3billion
Classification: Pathogenic for Retinitis pigmentosa 12. Last evaluated: 2026-01-09. Review status: criteria provided, single submitter. Criteria: ACMG Guidelines, 2015. Collection method: clinical testing. Allele origin: germline. Affected: yes.
Comment: The variant is observed at an extremely low frequency in the gnomAD v4.1.0 dataset (total allele frequency: 0.005%). Predicted Consequence/Location: Missense variant In silico tool predictions suggest damaging effect of the variant on gene or gene product [REVEL: 0.95 (>=0.6, sensitivity 0.68 and specificity 0.92); 3Cnet: 0.99 (> 0.75, sensitivity 0.96 and precision 0.92)]. The same nucleotide change resulting in the same amino acid change has been previously reported as pathogenic/likely pathogenic with strong evidence (ClinVar ID: VCV000265083 /PMID: 15459956). The variant is in trans with the other variant. A different missense change at the same codon (p.Cys195Trp) has been reported to be associated with CRB1-related disorder (ClinVar ID: VCV002005215). Therefore, this variant is classified as Pathogenic according to the recommendation of ACMG/AMP guideline.

Natera, Inc.
Classification: Pathogenic for Leber congenital amaurosis. Last evaluated: 2025-09-26. Review status: criteria provided, single submitter. Criteria: Natera Variant Classification Schema (03/2026). Collection method: clinical testing. Allele origin: germline.
Comment: The c.584G>T variant in CRB1 is a missense variant predicted to cause substitution of cysteine to phenylalanine at amino acid 195. This variant is rare in the general population with a frequency below the threshold expected for the associated phenotype(s). This variant has been observed in one or more individuals affected with the associated recessive disease, as either homozygous or compound heterozygous with a second variant (PMID: 28341476, 26626312, 27096895). Computational prediction algorithms indicate this variant is likely to affect gene or protein function. Given the available evidence, this variant is classified as Pathogenic.

Labcorp Genetics (formerly Invitae), Labcorp
Classification: Pathogenic for Leber congenital amaurosis 8; Retinitis pigmentosa 12. Last evaluated: 2025-05-21. Review status: criteria provided, single submitter. Criteria: Invitae Variant Classification Sherloc (09022015). Collection method: clinical testing. Allele origin: germline.
Comment: This sequence change replaces cysteine, which is neutral and slightly polar, with phenylalanine, which is neutral and non-polar, at codon 195 of the CRB1 protein (p.Cys195Phe). This variant is present in population databases (rs764256655, gnomAD 0.004%). This missense change has been observed in individual(s) with CRB1-related disease (PMID: 15459956, 26914788, 27096895, 29391521). In at least one individual the data is consistent with being in trans (on the opposite chromosome) from a pathogenic variant. ClinVar contains an entry for this variant (Variation ID: 265083). Invitae Evidence Modeling of protein sequence and biophysical properties (such as structural, functional, and spatial information, amino acid conservation, physicochemical variation, residue mobility, and thermodynamic stability) indicates that this missense variant is expected to disrupt CRB1 protein function with a positive predictive value of 95%. For these reasons, this variant has been classified as Pathogenic.

Baylor Genetics
Classification: Pathogenic for Leber congenital amaurosis 8. Last evaluated: 2024-03-20. Review status: criteria provided, single submitter. Criteria: ACMG Guidelines, 2015. Collection method: clinical testing. Allele origin: unknown.

Revvity Omics, Revvity
Classification: Likely pathogenic. Last evaluated: 2023-06-27. Review status: criteria provided, single submitter. Criteria: ACMG Guidelines, 2015. Collection method: clinical testing. Allele origin: germline.

Genome-Nilou Lab
Classification: Likely pathogenic for Leber congenital amaurosis 8. Last evaluated: 2023-04-11. Review status: criteria provided, single submitter. Criteria: ACMG Guidelines, 2015. Collection method: clinical testing. Allele origin: germline. Affected: no.

Genome-Nilou Lab
Classification: Likely pathogenic for Pigmented paravenous retinochoroidal atrophy. Last evaluated: 2023-04-11. Review status: criteria provided, single submitter. Criteria: ACMG Guidelines, 2015. Collection method: clinical testing. Allele origin: germline. Affected: no.

Genome-Nilou Lab
Classification: Likely pathogenic for Retinitis pigmentosa 12. Last evaluated: 2023-04-11. Review status: criteria provided, single submitter. Criteria: ACMG Guidelines, 2015. Collection method: clinical testing. Allele origin: germline. Affected: no.

Blueprint Genetics
Classification: Pathogenic for CRB1-related disorders. Last evaluated: 2022-07-27. Review status: criteria provided, single submitter. Criteria: ACMG Guidelines, 2015. Collection method: clinical testing. Allele origin: germline. Affected: yes. Observed: 5 variant alleles.

Fulgent Genetics
Classification: Pathogenic for Pigmented paravenous retinochoroidal atrophy; Retinitis pigmentosa 12; Leber congenital amaurosis 8. Last evaluated: 2021-08-26. Review status: criteria provided, single submitter. Criteria: ACMG Guidelines, 2015. Collection method: clinical testing. Allele origin: unknown.

GeneDx
Classification: Likely pathogenic. Last evaluated: 2018-04-03. Review status: criteria provided, single submitter. Criteria: GeneDx Variant Classification (06012015). Collection method: clinical testing. Allele origin: germline. Affected: yes.
Comment: The C195F variant in the CRB1 gene has been reported previously in association with autosomal recessive CRB1-related disorder, in affected individuals who were compound heterozygous for the C195F variant and another pathogenic variant (den Hollander et al., 2004; Morarji et al., 2016). The C195F variant is not observed at a significant frequency in large population cohorts (Lek et al., 2016). The C195F variant is a non-conservative amino acid substitution, which is likely to impact secondary protein structure as these residues differ in polarity, charge, size and/or other properties. In-silico analyses, including protein predictors and evolutionary conservation, support a deleterious effect. We interpret C195F as a likely pathogenic variant.

Leeds Institute of Medical Research, University of Leeds
Classification: Pathogenic for Macular dystrophy. Last evaluated: 2017-10-27. Review status: criteria provided, single submitter. Criteria: Khan et al. (Eur J Hum Genet. 2018). Collection method: research. Allele origin: germline. Affected: yes.

Genomics England Pilot Project, Genomics England
Classification: Pathogenic for Retinitis pigmentosa 12. Review status: criteria provided, single submitter. Criteria: ACGS Guidelines, 2016. Collection method: clinical testing. Allele origin: germline. Affected: yes.

Literature cited by the submitters: PubMed 15459956 (cited by 3billion and Labcorp Genetics (formerly Invitae), Labcorp); PubMed 28341476 (cited by Natera, Inc.); PubMed 26626312 (cited by Natera, Inc.); PubMed 27096895 (cited by Natera, Inc. and Labcorp Genetics (formerly Invitae), Labcorp); PubMed 26914788 (cited by Labcorp Genetics (formerly Invitae), Labcorp); PubMed 29391521 (cited by Labcorp Genetics (formerly Invitae), Labcorp).

NM_201253.3(CRB1):c.584G>T (p.Cys195Phe)

Gene: CRB1 (crumbs cell polarity complex component 1; plus strand). Cytogenetic location: 1q31.3.
Variant type: single nucleotide variant.
Coding change: c.584G>T on transcript NM_201253.3 (MANE Select); coding-DNA position 584, G replaced by T.
Protein change: p.Cys195Phe; replaces cysteine 195 with phenylalanine.
Molecular consequence: missense variant. On other transcripts: non-coding transcript variant (2).
Genome position (GRCh38, 1-based): chr1:197,328,935, G>T. VCF-style: chr1-197328935-G-T. GRCh37 (hg19) VCF-style: chr1-197298065-G-T.
Other names: c.584G>T, p.Cys195Phe (NM_001193640.2, NM_001257966.2); c.377G>T, p.Cys126Phe (NM_001257965.2); short protein forms C195F, C126F.
Identifiers: ClinVar variation 265083 (VCV000265083.24), dbSNP rs764256655, ClinGen allele CA1311659.
Genomic context (GRCh38, chr1:197,328,935, plus strand): 5'-TCCCAGGATATCAAGGCAGACACTGCGACTTGGAAGTGGATGAATGTGCTTCAGATCCCT[G>T]CAAGAACGAGGCTACATGCCTCAATGAAATAGGAAGATATACTTGTATCTGTCCCCACAA-3'
Protein context (NP_957705.1, residues 185-205): LEVDECASDP[Cys195Phe]KNEATCLNEI